The following is an entry in ClinVar:

ClinVar aggregate classification (germline): Uncertain significance. Review status: criteria provided, multiple submitters, no conflicts (2 of 4 stars). 2 submissions from 2 submitters: Uncertain significance (2). Last evaluated 2025-09-26.

Conditions:
Inborn genetic diseases. Identifiers: MedGen C0950123, MeSH D030342.

Allele frequency attached by ClinVar (database versions not stated): ExAC 0.00002; TOPMed 0.00002; gnomAD 0.00003.
gnomAD v4.1: 51 of 1,613,746 alleles (0.0032%); highest among the groups gnomAD compares: Non-Finnish European, 0.0029%; no homozygotes.

Submissions (2):

Ambry Genetics
Classification: Uncertain significance for Inborn genetic diseases. Last evaluated: 2025-09-26. Review status: criteria provided, single submitter. Criteria: Ambry Variant Classification Scheme 2023. Collection method: clinical testing. Allele origin: germline.

Labcorp Genetics (formerly Invitae), Labcorp
Classification: Uncertain significance. Last evaluated: 2022-06-24. Review status: criteria provided, single submitter. Criteria: Invitae Variant Classification Sherloc (09022015). Collection method: clinical testing. Allele origin: germline.
Comment: This sequence change replaces tyrosine, which is neutral and polar, with cysteine, which is neutral and slightly polar, at codon 1144 of the ATP8B1 protein (p.Tyr1144Cys). This variant is present in population databases (rs750281258, gnomAD 0.03%). This variant has not been reported in the literature in individuals affected with ATP8B1-related conditions. Algorithms developed to predict the effect of missense changes on protein structure and function (SIFT, PolyPhen-2, Align-GVGD) all suggest that this variant is likely to be disruptive. In summary, the available evidence is currently insufficient to determine the role of this variant in disease. Therefore, it has been classified as a Variant of Uncertain Significance.

NM_001374385.1(ATP8B1):c.3431A>G (p.Tyr1144Cys)

Genes: ATP8B1 (ATPase phospholipid transporting 8B1; minus strand), ATP8B1-AS1 (ATP8B1 antisense RNA 1; plus strand). Cytogenetic location: 18q21.31.
Variant type: single nucleotide variant.
Coding change: c.3431A>G on transcript NM_001374385.1 (MANE Select); coding-DNA position 3431, A replaced by G.
Protein change: p.Tyr1144Cys; replaces tyrosine 1144 with cysteine.
Molecular consequence: missense variant.
Genome position (GRCh38, 1-based): chr18:57,650,467, T>C on the plus strand (A>G on the coding strand, the complement: ATP8B1 is on the minus strand). VCF-style: chr18-57650467-T-C. GRCh37 (hg19) VCF-style: chr18-55317699-T-C.
Other names: c.3281A>G, p.Tyr1094Cys (NM_001374386.1); c.3431A>G, p.Tyr1144Cys (NM_005603.6); c.3431A>G (NM_005603.4); short protein forms Y1094C, Y1144C.
Identifiers: ClinVar variation 2146932 (VCV002146932.2), dbSNP rs750281258, ClinGen allele CA8974010.
Genomic context (GRCh38, chr18:57,650,467, plus strand): 5'-CGAATGGCAACGACGGGTAGTAAGCACACAGCAACAGCCAGGATGATAGTTAACCAAATG[T>C]ATGGCTGTCTCAGAGCGTTTGAAGCTGTGCCTGTAAAGAACATGGCAAATGCATCACTGT-3'
Protein context (NP_001361314.1, residues 1134-1154): GTASNALRQP[Tyr1144Cys]IWLTIILAVA